The following is an entry in ClinVar:

ClinVar aggregate classification (germline): Uncertain significance (1 of 4 stars; one submission).

Allele frequency attached by ClinVar (database versions not stated): gnomAD exomes below 0.00001.

Submission:

GeneDx
Classification: Uncertain significance. Last evaluated: 2019-04-24. Review status: criteria provided, single submitter. Criteria: GeneDx Variant Classification Process June 2021. Collection method: clinical testing. Allele origin: germline. Affected: yes.
Comment: Not observed in large population cohorts (Lek et al., 2016); In silico analysis, which includes protein predictors and evolutionary conservation, supports that this variant does not alter protein structure/function; Has not been previously published as pathogenic or benign to our knowledge

NM_207346.3(TSEN54):c.691C>T (p.Pro231Ser)

Gene: TSEN54 (tRNA splicing endonuclease subunit 54; plus strand). Cytogenetic location: 17q25.1.
Variant type: single nucleotide variant.
Coding change: c.691C>T on transcript NM_207346.3 (MANE Select); coding-DNA position 691, C replaced by T.
Protein change: p.Pro231Ser; replaces proline 231 with serine.
Molecular consequence: missense variant.
Genome position (GRCh38, 1-based): chr17:75,521,772, C>T. VCF-style: chr17-75521772-C-T. GRCh37 (hg19) VCF-style: chr17-73517853-C-T.
Other names: short protein forms P231S.
Identifiers: ClinVar variation 1302530 (VCV001302530.2), dbSNP rs972897786, ClinGen allele CA294078863.